The following is an entry in ClinVar:

ClinVar aggregate classification (germline): Benign/Likely benign. Review status: criteria provided, multiple submitters, no conflicts (2 of 4 stars). 10 submissions from 10 submitters: Benign (3); Likely benign (3). 4 of the submissions do not count toward it. Last evaluated 2026-02-01.

Conditions:
Autosomal dominant Parkinson disease 8. Also called: Parkinson disease 8, susceptibility to; LRRK2-Related Parkinson Disease; Parkinson disease 8. Identifiers: Orphanet 411602, MedGen C1846862, MONDO:0011764, OMIM 607060.
LRRK2-related disorder. Also called: LRRK2-related condition.

Allele frequency attached by ClinVar (database versions not stated): 1000 Genomes Project 0.00479; 1000 Genomes Project 30x 0.00500; ExAC 0.00916; gnomAD exomes 0.00938 and 0.01466; gnomAD 0.00994 and 0.01047; TOPMed 0.01099; ESP Exome Variant Server 0.01132.

Submissions (10):

Labcorp Genetics (formerly Invitae), Labcorp
Classification: Benign for Autosomal dominant Parkinson disease 8. Last evaluated: 2026-02-01. Review status: criteria provided, single submitter. Criteria: Invitae Variant Classification Sherloc (09022015). Collection method: clinical testing. Allele origin: germline.

Mayo Clinic Laboratories, Mayo Clinic
Classification: Benign. Last evaluated: 2023-03-17. Review status: criteria provided, single submitter. Criteria: ACMG Guidelines, 2015. Collection method: clinical testing. Allele origin: germline. Observed: 29 variant alleles.
Comment: BS1, BS2, BP4

GeneDx
Classification: Likely benign. Last evaluated: 2020-09-21. Review status: criteria provided, single submitter. Criteria: GeneDx Variant Classification Process June 2021. Collection method: clinical testing. Allele origin: germline. Affected: yes.
Comment: This variant is associated with the following publications: (PMID: 25821816, 21885347, 24470158, 23913756)

Athena Diagnostics
Classification: Benign. Last evaluated: 2018-08-07. Review status: criteria provided, single submitter. Criteria: Athena Diagnostics Criteria. Collection method: clinical testing. Allele origin: germline.

Illumina Laboratory Services, Illumina
Classification: Likely benign for Autosomal dominant Parkinson disease 8. Last evaluated: 2018-03-08. Review status: criteria provided, single submitter. Criteria: ICSL Variant Classification Criteria 13 December 2019. Collection method: clinical testing. Allele origin: germline.
Comment: This variant was observed as part of a predisposition screen in an ostensibly healthy population. A literature search was performed for the gene, cDNA change, and amino acid change (where applicable). Publications were found based on this search. The evidence from the literature, in combination with allele frequency data from public databases where available, was sufficient to determine this variant is unlikely to cause disease. Therefore, this variant is classified as likely benign.

Breakthrough Genomics
Classification: Likely benign. Review status: criteria provided, single submitter. Criteria: ACMG Guidelines, 2015. Collection method: not provided. Allele origin: germline. Inheritance: Autosomal dominant inheritance. Affected: yes.

PreventionGenetics, part of Exact Sciences
Classification: Benign for LRRK2-related condition. Last evaluated: 2019-11-27. Review status: no assertion criteria provided. Collection method: clinical testing. Allele origin: germline. Not counted in ClinVar's aggregate classification.
Comment: This variant is classified as benign based on ACMG/AMP sequence variant interpretation guidelines (Richards et al. 2015 PMID: 25741868, with internal and published modifications).

Clinical Genetics DNA and cytogenetics Diagnostics Lab, Erasmus MC, Erasmus Medical Center
Classification: Likely benign. Review status: no assertion criteria provided. Collection method: clinical testing. Allele origin: germline. Affected: yes. Study: VKGL Data-share Consensus. Not counted in ClinVar's aggregate classification.

GeneReviews
No classification provided. Condition: Autosomal dominant Parkinson disease 8. Review status: no classification provided. Collection method: literature only. Allele origin: unknown. Not counted in ClinVar's aggregate classification.

Genome Diagnostics Laboratory, Amsterdam University Medical Center
Classification: Likely benign. Review status: no assertion criteria provided. Collection method: clinical testing. Allele origin: germline. Affected: yes. Study: VKGL Data-share Consensus. Not counted in ClinVar's aggregate classification.

Literature cited by the submitters: PubMed 21885347 (cited by Mayo Clinic Laboratories, Mayo Clinic and Athena Diagnostics); PubMed 23913756 (cited by Mayo Clinic Laboratories, Mayo Clinic and Athena Diagnostics); PubMed 33781610 (cited by Mayo Clinic Laboratories, Mayo Clinic); PubMed 16172858 (cited by Athena Diagnostics); PubMed 16333314 (cited by Athena Diagnostics and Illumina Laboratory Services, Illumina); PubMed 17622782 (cited by Athena Diagnostics); PubMed 17804834 (cited by Athena Diagnostics); PubMed 19357115 (cited by Athena Diagnostics); PubMed 19405094 (cited by Athena Diagnostics); PubMed 24470158 (cited by Athena Diagnostics); PubMed 25821816 (cited by Athena Diagnostics); PubMed 20721913 (cited by Athena Diagnostics); PubMed 17540608 (cited by Athena Diagnostics); PubMed 20301387 (cited by GeneReviews); NCBI Bookshelf NBK1208 (cited by GeneReviews).

NM_198578.4(LRRK2):c.4937T>C (p.Met1646Thr)

Gene: LRRK2 (leucine rich repeat kinase 2; plus strand). Cytogenetic location: 12q12.
Variant type: single nucleotide variant.
Coding change: c.4937T>C on transcript NM_198578.4 (MANE Select); coding-DNA position 4937, T replaced by C.
Protein change: p.Met1646Thr; replaces methionine 1646 with threonine.
Molecular consequence: missense variant.
Genome position (GRCh38, 1-based): chr12:40,320,097, T>C. VCF-style: chr12-40320097-T-C. GRCh37 (hg19) VCF-style: chr12-40713899-T-C.
Other names: short protein forms M1646T.
Identifiers: ClinVar variation 39200 (VCV000039200.25), dbSNP rs35303786, ClinGen allele CA343610.